The following is an entry in ClinVar:

NM_032273.4(TMEM126A):c.395+5G>A

Gene: TMEM126A (transmembrane protein 126A; plus strand). Cytogenetic location: 11q14.1.
Variant type: single nucleotide variant.
Coding change: c.395+5G>A on transcript NM_032273.4 (MANE Select); 5 bases into the intron after coding-DNA position 395, G replaced by A.
Molecular consequence: intron variant.
Genome position (GRCh38, 1-based): chr11:85,655,713, G>A. VCF-style: chr11-85655713-G-A. GRCh37 (hg19) VCF-style: chr11-85366757-G-A.
Other names: c.185+5G>A (NM_001244735.2).
Identifiers: ClinVar variation 215271 (VCV000215271.18), dbSNP rs115906592, ClinGen allele CA322962.

ClinVar aggregate classification (germline): Benign/Likely benign. Review status: criteria provided, multiple submitters, no conflicts (2 of 4 stars). 5 submissions from 5 submitters: Benign (4); Likely benign (1). Last evaluated 2026-01-25.

Conditions:
Autosomal recessive optic atrophy, OPA7 type. Also called: OPTIC ATROPHY 7 WITH OR WITHOUT AUDITORY NEUROPATHY. Identifiers: Orphanet 227976, Orphanet 98676, MedGen C2751812, MONDO:0013069, OMIM 612989.

Allele frequency attached by ClinVar (database versions not stated): 1000 Genomes Project 0.00839; 1000 Genomes Project 30x 0.00890; gnomAD exomes 0.00061 and 0.00170; ExAC 0.00219; ESP Exome Variant Server 0.00500; gnomAD 0.00628 and 0.00680; TOPMed 0.00708.
gnomAD v4.1: 1,860 of 1,601,568 alleles (0.12%); highest among the groups gnomAD compares: African/African-American, 2.3%; 16 homozygotes.

Submissions (15):

Labcorp Genetics (formerly Invitae), Labcorp
Classification: Benign. Last evaluated: 2026-01-25. Review status: criteria provided, single submitter. Criteria: Invitae Variant Classification Sherloc (09022015). Collection method: clinical testing. Allele origin: germline.

Mayo Clinic Laboratories, Mayo Clinic
Classification: Benign. Last evaluated: 2021-01-05. Review status: criteria provided, single submitter. Criteria: ACMG Guidelines, 2015. Collection method: clinical testing. Allele origin: germline. Observed: 4 variant alleles.

Illumina Laboratory Services, Illumina
Classification: Benign for Autosomal recessive optic atrophy, OPA7 type. Last evaluated: 2018-01-13. Review status: criteria provided, single submitter. Criteria: ICSL Variant Classification Criteria 13 December 2019. Collection method: clinical testing. Allele origin: germline.
Comment: This variant was observed in the ICSL laboratory as part of a predisposition screen in an ostensibly healthy population. It had not been previously curated by ICSL or reported in the Human Gene Mutation Database (HGMD: prior to June 1st, 2018), and was therefore a candidate for classification through an automated scoring system. Utilizing variant allele frequency, disease prevalence and penetrance estimates, and inheritance mode, an automated score was calculated to assess if this variant is too frequent to cause the disease. Based on the score and internal cut-off values, a variant classified as benign is not then subjected to further curation. The score for this variant resulted in a classification of benign for this disease.

GeneDx
Classification: Benign. Last evaluated: 2014-11-17. Review status: criteria provided, single submitter. Criteria: GeneDx Variant Classification (06012015). Collection method: clinical testing. Allele origin: germline. Affected: yes.
Comment: This variant is considered likely benign or benign based on one or more of the following criteria: it is a conservative change, it occurs at a poorly conserved position in the protein, it is predicted to be benign by multiple in silico algorithms, and/or has population frequency not consistent with disease.

PreventionGenetics, part of Exact Sciences
Classification: Likely benign. Review status: criteria provided, single submitter. Criteria: ACMG Guidelines, 2015. Collection method: clinical testing. Allele origin: germline.

Dr. Peter K. Rogan Lab, Western University
No classification provided (evidence only). Condition: Familial cancer of breast. Review status: no classification provided. Collection method: in vitro. Allele origin: not applicable. Functional consequence: retained intron. Not counted in ClinVar's aggregate classification.

Dr. Peter K. Rogan Lab, Western University
No classification provided (evidence only). Condition: Acute myeloid leukemia. Review status: no classification provided. Collection method: in vitro. Allele origin: not applicable. Functional consequence: skipped exon, retained intron. Not counted in ClinVar's aggregate classification.

Dr. Peter K. Rogan Lab, Western University
No classification provided (evidence only). Condition: Colon adenocarcinoma. Review status: no classification provided. Collection method: in vitro. Allele origin: not applicable. Functional consequence: retained intron. Not counted in ClinVar's aggregate classification.

Dr. Peter K. Rogan Lab, Western University
No classification provided (evidence only). Condition: Colon adenocarcinoma. Review status: no classification provided. Collection method: in vitro. Allele origin: not applicable. Functional consequence: retained intron. Not counted in ClinVar's aggregate classification.

Dr. Peter K. Rogan Lab, Western University
No classification provided (evidence only). Condition: Colon adenocarcinoma. Review status: no classification provided. Collection method: in vitro. Allele origin: not applicable. Functional consequence: retained intron. Not counted in ClinVar's aggregate classification.

Dr. Peter K. Rogan Lab, Western University
No classification provided (evidence only). Condition: Colon adenocarcinoma. Review status: no classification provided. Collection method: in vitro. Allele origin: not applicable. Functional consequence: retained intron. Not counted in ClinVar's aggregate classification.

Dr. Peter K. Rogan Lab, Western University
No classification provided (evidence only). Condition: Uterine corpus endometrial carcinoma. Review status: no classification provided. Collection method: in vitro. Allele origin: not applicable. Functional consequence: retained intron. Not counted in ClinVar's aggregate classification.

Dr. Peter K. Rogan Lab, Western University
No classification provided (evidence only). Condition: Uterine corpus endometrial carcinoma. Review status: no classification provided. Collection method: in vitro. Allele origin: not applicable. Functional consequence: retained intron. Not counted in ClinVar's aggregate classification.

Dr. Peter K. Rogan Lab, Western University
No classification provided (evidence only). Condition: Uterine corpus endometrial carcinoma. Review status: no classification provided. Collection method: in vitro. Allele origin: not applicable. Functional consequence: retained intron. Not counted in ClinVar's aggregate classification.

Dr. Peter K. Rogan Lab, Western University
No classification provided (evidence only). Condition: Uterine corpus endometrial carcinoma. Review status: no classification provided. Collection method: in vitro. Allele origin: not applicable. Functional consequence: retained intron. Not counted in ClinVar's aggregate classification.